The following is an entry in ClinVar:

NM_015272.5(RPGRIP1L):c.3616+4T>C

Gene: RPGRIP1L (RPGRIP1 like; minus strand). Cytogenetic location: 16q12.2.
Variant type: single nucleotide variant.
Coding change: c.3616+4T>C on transcript NM_015272.5 (MANE Select); 4 bases into the intron after coding-DNA position 3616, T replaced by C.
Molecular consequence: intron variant.
Genome position (GRCh38, 1-based): chr16:53,619,021, A>G on the plus strand (T>C on the coding strand, the complement: RPGRIP1L is on the minus strand). VCF-style: chr16-53619021-A-G. GRCh37 (hg19) VCF-style: chr16-53652933-A-G.
Other names: c.3376+4T>C (NM_001127897.4); c.3514+4T>C (NM_001330538.2); c.3478+4T>C (NM_001308334.3).
Identifiers: ClinVar variation 2233725 (VCV002233725.2), dbSNP rs1399713595, ClinGen allele CA721633250.

ClinVar aggregate classification (germline): Uncertain significance (1 of 4 stars; one submission).

Conditions:
Inborn genetic diseases. Identifiers: MedGen C0950123, MeSH D030342.

Allele frequency attached by ClinVar (database versions not stated): TOPMed below 0.00001; gnomAD exomes 0.00001.

Submission:

Ambry Genetics
Classification: Uncertain significance for Inborn genetic diseases. Last evaluated: 2021-08-14. Review status: criteria provided, single submitter. Criteria: Ambry Variant Classification Scheme 2023. Collection method: clinical testing. Allele origin: germline.
Comment: The c.3616+4T>C intronic alteration consists of a T to C substitution nucleotides after coding exon 23 in the RPGRIP1L gene. Based on insufficient or conflicting evidence, the clinical significance of this alteration remains unclear.